The following is an entry in ClinVar:

NM_003124.5(SPR):c.766G>A (p.Val256Met)

Gene: SPR (sepiapterin reductase; plus strand). Cytogenetic location: 2p13.2.
Variant type: single nucleotide variant.
Coding change: c.766G>A on transcript NM_003124.5 (MANE Select); coding-DNA position 766, G replaced by A.
Protein change: p.Val256Met; replaces valine 256 with methionine.
Molecular consequence: missense variant.
Genome position (GRCh38, 1-based): chr2:72,891,517, G>A. VCF-style: chr2-72891517-G-A. GRCh37 (hg19) VCF-style: chr2-73118646-G-A.
Other names: short protein forms V256M.
Identifiers: ClinVar variation 1317114 (VCV001317114.7), dbSNP rs765373242, ClinGen allele CA1709031.

ClinVar aggregate classification (germline): Uncertain significance. Review status: criteria provided, multiple submitters, no conflicts (2 of 4 stars). 3 submissions from 3 submitters: Uncertain significance (3). Last evaluated 2024-12-02.

Conditions:
SPR-related disorder. Also called: SPR-related condition.
Dystonic disorder. Also called: Dystonia. Identifiers: MedGen C0013421, MONDO:0003441, HP:0001332.

Allele frequency attached by ClinVar (database versions not stated): gnomAD exomes 0.00001 and 0.00004; gnomAD 0.00002; ExAC 0.00004; TOPMed 0.00004.
gnomAD v4.1: 24 of 1,614,116 alleles (0.0015%); highest among the groups gnomAD compares: African/African-American, 0.011%; no homozygotes.

Submissions (3):

PreventionGenetics, part of Exact Sciences
Classification: Uncertain significance for SPR-related condition. Last evaluated: 2024-12-02. Review status: criteria provided, single submitter. Criteria: ACMG Guidelines, 2015. Collection method: clinical testing. Allele origin: germline.
Comment: The SPR c.766G>A variant is predicted to result in the amino acid substitution p.Val256Met. To our knowledge, this variant has not been reported in the literature. This variant is reported in 0.016% of alleles in individuals of African descent in gnomAD. At this time, the clinical significance of this variant is uncertain due to the absence of conclusive functional and genetic evidence.

GeneDx
Classification: Uncertain significance. Last evaluated: 2024-10-25. Review status: criteria provided, single submitter. Criteria: GeneDx Variant Classification Process June 2021. Collection method: clinical testing. Allele origin: germline. Affected: yes.
Comment: In silico analysis indicates that this missense variant does not alter protein structure/function; Has not been previously published as pathogenic or benign to our knowledge

Labcorp Genetics (formerly Invitae), Labcorp
Classification: Uncertain significance for Dystonic disorder. Last evaluated: 2022-07-26. Review status: criteria provided, single submitter. Criteria: Invitae Variant Classification Sherloc (09022015). Collection method: clinical testing. Allele origin: germline.
Comment: This sequence change replaces valine, which is neutral and non-polar, with methionine, which is neutral and non-polar, at codon 256 of the SPR protein (p.Val256Met). This variant is present in population databases (rs765373242, gnomAD 0.02%). This variant has not been reported in the literature in individuals affected with SPR-related conditions. ClinVar contains an entry for this variant (Variation ID: 1317114). Algorithms developed to predict the effect of missense changes on protein structure and function output the following: SIFT: "Tolerated"; PolyPhen-2: "Benign"; Align-GVGD: "Class C0". The methionine amino acid residue is found in multiple mammalian species, which suggests that this missense change does not adversely affect protein function. In summary, the available evidence is currently insufficient to determine the role of this variant in disease. Therefore, it has been classified as a Variant of Uncertain Significance.